The following is an entry in ClinVar:

ClinVar aggregate classification (germline): Uncertain significance. Review status: criteria provided, multiple submitters, no conflicts (2 of 4 stars). 2 submissions from 2 submitters: Uncertain significance (2). Last evaluated 2025-07-14.

Conditions:
Inborn genetic diseases. Identifiers: MedGen C0950123, MeSH D030342.

Submissions (2):

Ambry Genetics
Classification: Uncertain significance for Inborn genetic diseases. Last evaluated: 2025-07-14. Review status: criteria provided, single submitter. Criteria: Ambry Variant Classification Scheme 2023. Collection method: clinical testing. Allele origin: germline.

Labcorp Genetics (formerly Invitae), Labcorp
Classification: Uncertain significance. Last evaluated: 2022-06-21. Review status: criteria provided, single submitter. Criteria: Invitae Variant Classification Sherloc (09022015). Collection method: clinical testing. Allele origin: germline.
Comment: This sequence change replaces valine, which is neutral and non-polar, with leucine, which is neutral and non-polar, at codon 159 of the COX15 protein (p.Val159Leu). This variant is not present in population databases (gnomAD no frequency). This variant has not been reported in the literature in individuals affected with COX15-related conditions. Algorithms developed to predict the effect of missense changes on protein structure and function are either unavailable or do not agree on the potential impact of this missense change (SIFT: "Not Available"; PolyPhen-2: "Benign"; Align-GVGD: "Not Available"). In summary, the available evidence is currently insufficient to determine the role of this variant in disease. Therefore, it has been classified as a Variant of Uncertain Significance.

NM_078470.6(COX15):c.475G>T (p.Val159Leu)

Gene: COX15 (cytochrome c oxidase assembly factor COX15; minus strand). Cytogenetic location: 10q24.2.
Variant type: single nucleotide variant.
Coding change: c.475G>T on transcript NM_078470.6 (MANE Select); coding-DNA position 475, G replaced by T.
Protein change: p.Val159Leu; replaces valine 159 with leucine.
Molecular consequence: missense variant. On other transcripts: intron variant (1).
Genome position (GRCh38, 1-based): chr10:99,727,075, C>A on the plus strand (G>T on the coding strand, the complement: COX15 is on the minus strand). VCF-style: chr10-99727075-C-A. GRCh37 (hg19) VCF-style: chr10-101486832-C-A.
Other names: c.475G>T, p.Val159Leu (NM_001320974.2, NM_001320975.2, NM_001372024.1 and 5 more transcripts); c.-59-4G>T (NM_001320976.2); short protein forms V159L.
Identifiers: ClinVar variation 2105546 (VCV002105546.5), dbSNP rs2036979954, ClinGen allele CA378087812.